The following is an entry in ClinVar:

ClinVar aggregate classification (germline): Conflicting classifications of pathogenicity. Review status: criteria provided, conflicting classifications (1 of 4 stars). 2 submissions from 2 submitters: Uncertain significance (1); Likely benign (1). Last evaluated 2025-07-13.

Conditions:
Inborn genetic diseases. Identifiers: MedGen C0950123, MeSH D030342.

Allele frequency attached by ClinVar (database versions not stated): TOPMed 0.00005.
gnomAD v4.1: 37 of 1,600,798 alleles (0.0023%); highest among the groups gnomAD compares: African/African-American, 0.012%; no homozygotes.

Submissions (2):

Ambry Genetics
Classification: Uncertain significance for Inborn genetic diseases. Last evaluated: 2025-07-13. Review status: criteria provided, single submitter. Criteria: Ambry Variant Classification Scheme 2023. Collection method: clinical testing. Allele origin: germline.

CeGaT Center for Human Genetics Tuebingen
Classification: Likely benign. Last evaluated: 2023-05-01. Review status: criteria provided, single submitter. Criteria: CeGaT Center For Human Genetics Tuebingen Variant Classification Criteria Version 2. Collection method: clinical testing. Allele origin: germline. Affected: yes. Observed: 1 variant allele.
Comment: PKD1: BP4

NM_001009944.3(PKD1):c.8684A>G (p.Asn2895Ser)

Gene: PKD1 (polycystin 1, transient receptor potential channel interacting; minus strand). Cytogenetic location: 16p13.3.
Variant type: single nucleotide variant.
Coding change: c.8684A>G on transcript NM_001009944.3 (MANE Select); coding-DNA position 8684, A replaced by G.
Protein change: p.Asn2895Ser; replaces asparagine 2895 with serine.
Molecular consequence: missense variant.
Genome position (GRCh38, 1-based): chr16:2,103,373, T>C on the plus strand (A>G on the coding strand, the complement: PKD1 is on the minus strand). VCF-style: chr16-2103373-T-C. GRCh37 (hg19) VCF-style: chr16-2153374-T-C.
Other names: c.8684A>G, p.Asn2895Ser (NM_000296.4); c.8684A>G (NM_000296.3); short protein forms N2895S.
Identifiers: ClinVar variation 2645999 (VCV002645999.25), dbSNP rs1219270797, ClinGen allele CA394362412.